The following is an entry in ClinVar:

ClinVar aggregate classification (germline): Uncertain significance. Review status: criteria provided, multiple submitters, no conflicts (2 of 4 stars). 2 submissions from 2 submitters: Uncertain significance (2). Last evaluated 2023-08-04.

Conditions:
Inborn genetic diseases. Identifiers: MedGen C0950123, MeSH D030342.
Charcot-Marie-Tooth disease recessive intermediate C. Also called: CHARCOT-MARIE-TOOTH NEUROPATHY, RECESSIVE INTERMEDIATE C. Identifiers: Orphanet 369867, MedGen C3809309, MONDO:0014154, OMIM 615376.
Neuronopathy, distal hereditary motor, autosomal recessive 4. Also called: Autosomal recessive lower motor neuron disease with childhood onset; NEUROPATHY, DISTAL HEREDITARY MOTOR, AUTOSOMAL RECESSIVE 4. Identifiers: Orphanet 206580, MedGen C1970211, MONDO:0012608, OMIM 611067.

Allele frequency attached by ClinVar (database versions not stated): TOPMed below 0.00001; gnomAD 0.00001.
gnomAD v4.1: 2 of 1,595,296 alleles (0.00013%); highest among the groups gnomAD compares: Non-Finnish European, 0.00017%; no homozygotes.

Submissions (2):

Labcorp Genetics (formerly Invitae), Labcorp
Classification: Uncertain significance for Neuronopathy, distal hereditary motor, autosomal recessive 4; Charcot-Marie-Tooth disease recessive intermediate C. Last evaluated: 2023-08-04. Review status: criteria provided, single submitter. Criteria: Invitae Variant Classification Sherloc (09022015). Collection method: clinical testing. Allele origin: germline.
Comment: In summary, the available evidence is currently insufficient to determine the role of this variant in disease. Therefore, it has been classified as a Variant of Uncertain Significance. An algorithm developed to predict the effect of missense changes on protein structure and function (PolyPhen-2) suggests that this variant is likely to be disruptive. ClinVar contains an entry for this variant (Variation ID: 2558273). This variant has not been reported in the literature in individuals affected with PLEKHG5-related conditions. This variant is not present in population databases (gnomAD no frequency). This sequence change replaces glutamic acid, which is acidic and polar, with valine, which is neutral and non-polar, at codon 389 of the PLEKHG5 protein (p.Glu389Val).

Ambry Genetics
Classification: Uncertain significance for Inborn genetic diseases. Last evaluated: 2023-06-06. Review status: criteria provided, single submitter. Criteria: Ambry Variant Classification Scheme 2023. Collection method: clinical testing. Allele origin: germline.

NM_020631.6(PLEKHG5):c.1166A>T (p.Glu389Val)

Gene: PLEKHG5 (pleckstrin homology and RhoGEF domain containing G5; minus strand). Cytogenetic location: 1p36.31.
Variant type: single nucleotide variant.
Coding change: c.1166A>T on transcript NM_020631.6 (MANE Select); coding-DNA position 1166, A replaced by T.
Protein change: p.Glu389Val; replaces glutamic acid 389 with valine.
Molecular consequence: missense variant.
Genome position (GRCh38, 1-based): chr1:6,471,603, T>A on the plus strand (A>T on the coding strand, the complement: PLEKHG5 is on the minus strand). VCF-style: chr1-6471603-T-A. GRCh37 (hg19) VCF-style: chr1-6531663-T-A.
Other names: c.1277A>T, p.Glu426Val (NM_001042663.3, NM_001265592.2); c.1166A>T, p.Glu389Val (NM_001042664.2, NM_001042665.2, NM_001265594.3 and 1 more transcripts); c.1373A>T, p.Glu458Val (NM_001265593.2); short protein forms E389V, E426V, E458V.
Identifiers: ClinVar variation 2558273 (VCV002558273.3), dbSNP rs1361465081, ClinGen allele CA338130017.